The following is an entry in ClinVar:

ClinVar aggregate classification (germline): Uncertain significance. Review status: criteria provided, multiple submitters, no conflicts (2 of 4 stars). 2 submissions from 2 submitters: Uncertain significance (2). Last evaluated 2023-06-29.

Submissions (2):

Women's Health and Genetics/Laboratory Corporation of America, LabCorp
Classification: Uncertain significance. Last evaluated: 2023-06-29. Review status: criteria provided, single submitter. Criteria: LabCorp Variant Classification Summary - May 2015. Collection method: clinical testing. Allele origin: germline.
Comment: Variant summary: GLA c.370G>T (p.Val124Phe) results in a non-conservative amino acid change in the encoded protein sequence. Five of five in-silico tools predict a damaging effect of the variant on protein function. 4/4 computational tools predict no significant impact on normal splicing. However, these predictions have yet to be confirmed by functional studies. The variant was absent in 183376 control chromosomes (gnomAD). The available data on variant occurrences in the general population are insufficient to allow any conclusion about variant significance. To our knowledge, no occurrence of c.370G>T in individuals affected with Fabry Disease and no experimental evidence demonstrating its impact on protein function have been reported. One submitter has cited clinical-significance assessments for this variant to ClinVar after 2014 and has classified the variant as uncertain significance. Based on the evidence outlined above, the variant was classified as uncertain significance.

Revvity Omics, Revvity
Classification: Uncertain significance. Last evaluated: 2022-04-03. Review status: criteria provided, single submitter. Criteria: ACMG Guidelines, 2015. Collection method: clinical testing. Allele origin: germline.

NM_000169.3(GLA):c.370G>T (p.Val124Phe)

Genes: GLA (galactosidase alpha; minus strand), RPL36A-HNRNPH2 (RPL36A-HNRNPH2 readthrough; plus strand). Cytogenetic location: Xq22.1.
Variant type: single nucleotide variant.
Coding change: c.370G>T on transcript NM_000169.3 (MANE Select); coding-DNA position 370, G replaced by T.
Protein change: p.Val124Phe; replaces valine 124 with phenylalanine.
Molecular consequence: missense variant. On other transcripts: non-coding transcript variant (3), intron variant (2).
Genome position (GRCh38, 1-based): chrX:101,401,809, C>A on the plus strand (G>T on the coding strand, the complement: GLA is on the minus strand). VCF-style: chrX-101401809-C-A. GRCh37 (hg19) VCF-style: chrX-100656797-C-A.
Other names: c.493G>T, p.Val165Phe (NM_001406747.1, NM_001406749.1); c.370G>T, p.Val124Phe (NM_001406748.1); c.300+6352C>A (NM_001199973.2); c.177+9987C>A (NM_001199974.2); short protein forms V124F, V165F.
Identifiers: ClinVar variation 2432137 (VCV002432137.4), dbSNP rs2520897997, ClinGen allele CA413931016.